The following is an entry in ClinVar:

ClinVar aggregate classification (germline): Uncertain significance. Review status: criteria provided, multiple submitters, no conflicts (2 of 4 stars). 3 submissions from 3 submitters: Uncertain significance (3). Last evaluated 2026-04-24.

Conditions:
SLC9A1-related disorder. Also called: SLC9A1-related condition.

Allele frequency attached by ClinVar (database versions not stated): gnomAD exomes 0.00005; ExAC 0.00007; TOPMed 0.00007; gnomAD 0.00011.

Submissions (3):

PreventionGenetics, part of Exact Sciences
Classification: Uncertain significance for SLC9A1-related condition. Last evaluated: 2026-04-24. Review status: criteria provided, single submitter. Criteria: ACMG Guidelines, 2015. Collection method: clinical testing. Allele origin: germline.
Comment: The SLC9A1 c.691G>A variant is predicted to result in the amino acid substitution p.Gly231Ser. To our knowledge, this variant has not been reported in the literature. This variant is reported in 0.011% of alleles in individuals of European (Non-Finnish) descent in gnomAD. At this time, the clinical significance of this variant is uncertain due to the absence of conclusive functional and genetic evidence.

Ambry Genetics
Classification: Uncertain significance. Last evaluated: 2025-02-11. Review status: criteria provided, single submitter. Criteria: Ambry Variant Classification Scheme 2023. Collection method: clinical testing. Allele origin: germline.

Labcorp Genetics (formerly Invitae), Labcorp
Classification: Uncertain significance. Last evaluated: 2024-10-25. Review status: criteria provided, single submitter. Criteria: Invitae Variant Classification Sherloc (09022015). Collection method: clinical testing. Allele origin: germline.
Comment: This sequence change replaces glycine, which is neutral and non-polar, with serine, which is neutral and polar, at codon 231 of the SLC9A1 protein (p.Gly231Ser). This variant is present in population databases (rs766596809, gnomAD 0.01%). This variant has not been reported in the literature in individuals affected with SLC9A1-related conditions. ClinVar contains an entry for this variant (Variation ID: 2054863). An algorithm developed to predict the effect of missense changes on protein structure and function (PolyPhen-2) suggests that this variant is likely to be disruptive. In summary, the available evidence is currently insufficient to determine the role of this variant in disease. Therefore, it has been classified as a Variant of Uncertain Significance.

NM_003047.5(SLC9A1):c.691G>A (p.Gly231Ser)

Gene: SLC9A1 (solute carrier family 9 member A1; minus strand). Cytogenetic location: 1p36.11.
Variant type: single nucleotide variant.
Coding change: c.691G>A on transcript NM_003047.5 (MANE Select); coding-DNA position 691, G replaced by A.
Protein change: p.Gly231Ser; replaces glycine 231 with serine.
Molecular consequence: missense variant.
Genome position (GRCh38, 1-based): chr1:27,113,948, C>T on the plus strand (G>A on the coding strand, the complement: SLC9A1 is on the minus strand). VCF-style: chr1-27113948-C-T. GRCh37 (hg19) VCF-style: chr1-27440439-C-T.
Other names: c.691G>A (NM_003047.4, NM_003047.3); short protein forms G231S.
Identifiers: ClinVar variation 2054863 (VCV002054863.4), dbSNP rs766596809, ClinGen allele CA711288.